The following is an entry in ClinVar:

ClinVar aggregate classification (germline): Uncertain significance (1 of 4 stars; one submission).

Conditions:
Early Myoclonic Encephalopathy. Identifiers: MedGen C0270855.

gnomAD v4.1: 2 of 1,613,888 alleles (0.00012%); highest among the groups gnomAD compares: East Asian, 0.0022%; no homozygotes.

Submission:

Labcorp Genetics (formerly Invitae), Labcorp
Classification: Uncertain significance for Early Myoclonic Encephalopathy. Last evaluated: 2021-12-19. Review status: criteria provided, single submitter. Criteria: Invitae Variant Classification Sherloc (09022015). Collection method: clinical testing. Allele origin: germline.
Comment: In summary, the available evidence is currently insufficient to determine the role of this variant in disease. Therefore, it has been classified as a Variant of Uncertain Significance. Algorithms developed to predict the effect of missense changes on protein structure and function (SIFT, PolyPhen-2, Align-GVGD) all suggest that this variant is likely to be tolerated. This variant has not been reported in the literature in individuals affected with JMJD1C-related conditions. This variant is not present in population databases (gnomAD no frequency). This sequence change replaces arginine, which is basic and polar, with serine, which is neutral and polar, at codon 1072 of the JMJD1C protein (p.Arg1072Ser).

NM_032776.3(JMJD1C):c.3214C>A (p.Arg1072Ser)

Gene: JMJD1C (jumonji domain containing 1C; minus strand). Cytogenetic location: 10q21.3.
Variant type: single nucleotide variant.
Coding change: c.3214C>A on transcript NM_032776.3 (MANE Select); coding-DNA position 3214, C replaced by A.
Protein change: p.Arg1072Ser; replaces arginine 1072 with serine.
Molecular consequence: missense variant. On other transcripts: non-coding transcript variant (1).
Genome position (GRCh38, 1-based): chr10:63,208,455, G>T on the plus strand (C>A on the coding strand, the complement: JMJD1C is on the minus strand). VCF-style: chr10-63208455-G-T. GRCh37 (hg19) VCF-style: chr10-64968215-G-T.
Other names: c.2668C>A, p.Arg890Ser (NM_001282948.2, NM_001318154.2); c.2350C>A, p.Arg784Ser (NM_001318153.2); c.3100C>A, p.Arg1034Ser (NM_001322252.2); c.2557C>A, p.Arg853Ser (NM_001322254.2, NM_001322258.2); short protein forms R1072S, R784S, R890S, R1034S, R853S.
Identifiers: ClinVar variation 1980367 (VCV001980367.4), dbSNP rs566751308, ClinGen allele CA377042593.